The following is an entry in ClinVar:

NM_006946.4(SPTBN2):c.1331A>C (p.Asn444Thr)

Gene: SPTBN2 (spectrin beta, non-erythrocytic 2; minus strand). Cytogenetic location: 11q13.2.
Variant type: single nucleotide variant.
Coding change: c.1331A>C on transcript NM_006946.4 (MANE Select); coding-DNA position 1331, A replaced by C.
Protein change: p.Asn444Thr; replaces asparagine 444 with threonine.
Molecular consequence: missense variant.
Genome position (GRCh38, 1-based): chr11:66,708,160, T>G on the plus strand (A>C on the coding strand, the complement: SPTBN2 is on the minus strand). VCF-style: chr11-66708160-T-G. GRCh37 (hg19) VCF-style: chr11-66475631-T-G.
Other names: c.1352A>C, p.Asn451Thr (NM_001411025.1); c.1331A>C, p.Asn444Thr (NM_001437541.1); short protein forms N444T, N451T.
Identifiers: ClinVar variation 4687328 (VCV004687328.1).

ClinVar aggregate classification (germline): Uncertain significance (1 of 4 stars; one submission).

Submission:

Women's Health and Genetics/Laboratory Corporation of America, LabCorp
Classification: Uncertain significance. Last evaluated: 2025-10-13. Review status: criteria provided, single submitter. Criteria: LabCorp Variant Classification Summary - May 2015. Collection method: clinical testing. Allele origin: germline.
Comment: Variant summary: SPTBN2 c.1331A>C (p.Asn444Thr) results in a non-conservative amino acid change in the encoded protein sequence. Algorithms developed to predict the effect of missense changes on protein structure and function are either unavailable or do not agree on the potential impact of this missense change. The variant allele was found at a frequency of 4e-06 in 249674 control chromosomes. The available data on variant occurrences in the general population are insufficient to allow any conclusion about variant significance. To our knowledge, no occurrence of c.1331A>C in individuals affected with SPTBN2-related conditions and no experimental evidence demonstrating its impact on protein function have been reported. No submitters have cited clinical-significance assessments for this variant to ClinVar. Based on the evidence outlined above, the variant was classified as uncertain significance.